The following is an entry in ClinVar:

ClinVar aggregate classification (germline): Likely pathogenic (1 of 4 stars; one submission).

Conditions:
Mucopolysaccharidosis, MPS-I-H/S. Also called: Mucopolysaccharidosis type IH/S. Identifiers: Orphanet 93476, MedGen C0086431, MONDO:0011759, OMIM 607015.

Submission:

Myriad Genetics, Inc.
Classification: Likely pathogenic for Mucopolysaccharidosis, MPS-I-H/S. Last evaluated: 2021-11-19. Review status: criteria provided, single submitter. Criteria: Myriad Women's Health Autosomal Recessive and X-Linked Classification Criteria (2021). Collection method: clinical testing. Allele origin: unknown.
Comment: NM_000203.3(IDUA):c.1118_1130del13(N373Sfs*63) is expected to be pathogenic in the context of mucopolysaccharidosis type I. This variant is predicted to lead to an abnormal or absent protein product due to the creation of a premature termination codon in IDUA, a gene where loss-of-function variants are known to be pathogenic. Please note: this variant was assessed in the context of healthy population screening.

NM_000203.5(IDUA):c.1118_1130del (p.Asn373fs)

Gene: IDUA (alpha-L-iduronidase; plus strand). Cytogenetic location: 4p16.3.
Variant type: Deletion.
Coding change: c.1118_1130del on transcript NM_000203.5 (MANE Select); coding-DNA positions 1118 to 1130, 13 bases deleted (ACACCCGCCCGCC).
Protein change: p.Asn373fs; shifts the reading frame from asparagine 373.
Molecular consequence: frameshift variant. On other transcripts: non-coding transcript variant (1).
Genome position (GRCh38, 1-based): chr4:1,002,414-1,002,426, ACACCCGCCCGCC deleted. VCF-style (leftmost placement, unchanged base first): chr4-1002413-AACACCCGCCCGCC-A. GRCh37 (hg19) VCF-style: chr4-996201-AACACCCGCCCGCC-A.
Other names: c.722_734del, p.Asn241fs (NM_001363576.1); short protein forms N241fs, N373fs.
Identifiers: ClinVar variation 1724769 (VCV001724769.2), dbSNP rs2534089880, ClinGen allele CA2580070667.